The following is an entry in ClinVar:

NM_000038.6(APC):c.4513A>G (p.Ser1505Gly)

Gene: APC (APC regulator of Wnt signaling pathway; plus strand). Cytogenetic location: 5q22.2.
Variant type: single nucleotide variant.
Coding change: c.4513A>G on transcript NM_000038.6 (MANE Select); coding-DNA position 4513, A replaced by G.
Protein change: p.Ser1505Gly; replaces serine 1505 with glycine.
Molecular consequence: missense variant.
Genome position (GRCh38, 1-based): chr5:112,840,107, A>G. VCF-style: chr5-112840107-A-G. GRCh37 (hg19) VCF-style: chr5-112175804-A-G.
Other names: c.4513A>G, p.Ser1505Gly (NM_001127510.3, NM_001354895.2); c.4459A>G, p.Ser1487Gly (NM_001127511.3); c.4567A>G, p.Ser1523Gly (NM_001354896.2); c.4543A>G, p.Ser1515Gly (NM_001354897.2); c.4438A>G, p.Ser1480Gly (NM_001354898.2); c.4429A>G, p.Ser1477Gly (NM_001354899.2); c.4390A>G, p.Ser1464Gly (NM_001354900.2); c.4336A>G, p.Ser1446Gly (NM_001354901.2); and 6 more; short protein forms S1222G, S1477G, S1523G, S1446G, S1505G, S1414G, S1379G, S1480G.
Identifiers: ClinVar variation 1479735 (VCV001479735.9), dbSNP rs1765699040, ClinGen allele CA16031206.

ClinVar aggregate classification (germline): Uncertain significance. Review status: criteria provided, multiple submitters, no conflicts (2 of 4 stars). 2 submissions from 2 submitters: Uncertain significance (2). Last evaluated 2025-01-25.

Conditions:
Hereditary cancer-predisposing syndrome. Also called: Tumor predisposition; Hereditary Cancer Syndrome; Hereditary neoplastic syndrome; Neoplastic Syndromes, Hereditary. Identifiers: Orphanet 140162, MedGen C0027672, MeSH D009386, MONDO:0015356.
Familial adenomatous polyposis 1 (FAP1). Also called: FAMILIAL ADENOMATOUS POLYPOSIS 1, ATTENUATED; POLYPOSIS, ADENOMATOUS INTESTINAL. Identifiers: MedGen C2713442, MONDO:0021056, OMIM 175100. Disease mechanism: loss of function.

Allele frequency attached by ClinVar (database versions not stated): gnomAD exomes below 0.00001; gnomAD 0.00001.
gnomAD v4.1: 3 of 1,614,062 alleles (0.00019%); highest among the groups gnomAD compares: South Asian, 0.0033%; no homozygotes.

Submissions (2):

Ambry Genetics
Classification: Uncertain significance for Hereditary cancer-predisposing syndrome. Last evaluated: 2025-01-25. Review status: criteria provided, single submitter. Criteria: Ambry Variant Classification Scheme 2023. Collection method: clinical testing. Allele origin: germline.
Comment: The p.S1505G variant (also known as c.4513A>G), located in coding exon 15 of the APC gene, results from an A to G substitution at nucleotide position 4513. The serine at codon 1505 is replaced by glycine, an amino acid with similar properties. This amino acid position is conserved. In addition, in silico predictors for this gene do not accurately predict pathogenicity. Based on the available evidence, the clinical significance of this variant remains unclear.

Labcorp Genetics (formerly Invitae), Labcorp
Classification: Uncertain significance for Familial adenomatous polyposis 1. Last evaluated: 2024-05-31. Review status: criteria provided, single submitter. Criteria: Invitae Variant Classification Sherloc (09022015). Collection method: clinical testing. Allele origin: germline.
Comment: This sequence change replaces serine, which is neutral and polar, with glycine, which is neutral and non-polar, at codon 1505 of the APC protein (p.Ser1505Gly). This variant is not present in population databases (gnomAD no frequency). This variant has not been reported in the literature in individuals affected with APC-related conditions. ClinVar contains an entry for this variant (Variation ID: 1479735). Advanced modeling of protein sequence and biophysical properties (such as structural, functional, and spatial information, amino acid conservation, physicochemical variation, residue mobility, and thermodynamic stability) performed at Invitae indicates that this missense variant is not expected to disrupt APC protein function with a negative predictive value of 95%. In summary, the available evidence is currently insufficient to determine the role of this variant in disease. Therefore, it has been classified as a Variant of Uncertain Significance.